The following is an entry in ClinVar:

ClinVar aggregate classification (germline): Pathogenic (3 of 4 stars; one submission).

Conditions:
Glanzmann thrombasthenia. Also called: PLATELET GLYCOPROTEIN IIb-IIIa DEFICIENCY; BLEEDING DISORDER, PLATELET-TYPE, 2; THROMBASTHENIA OF GLANZMANN AND NAEGELI; Thrombasthenia; Glanzmann's thrombasthenia. Identifiers: Orphanet 849, MedGen C0040015, MONDO:0100326.

Submission:

ClinGen Platelet Disorders Variant Curation Expert Panel, ClinGen
Classification: Pathogenic for Glanzmann thrombasthenia. Last evaluated: 2022-12-01. Review status: reviewed by expert panel. Criteria: ClinGen Platelet ACMG Specifications v2-1. Collection method: curation. Allele origin: germline. Inheritance: Autosomal recessive inheritance.
Comment: The c.1230del (p.Tyr411ThrfsTer20) variant in exon 13 is a frameshift variant predicted to cause a premature stop codon in biologically-relevant-exon 13 and is predicted to lead to nonsense mediated decay in a gene in which loss-of-function is an established disease mechanism (PVS1). At least one patient (Patient 9 in PMID: 19172520) with this variant displayed mucocutaneous bleeding and impaired aggregation with all agonists except ristocetin, which is highly specific for Glanzmann thrombasthenia. Additionally, αIIbβ3 surface expression was reduced to < 10% of wild type levels, as measured by flow cytometry (according to GT database). However, ITGA2B and ITGB3 were not [reported to be] sequenced across all exons and intron/exon boundaries (PP4_moderate). This variant has been detected in at least 2 probands with Glanzmann thrombasthenia. One of these probands was homozygous for the variant (0.5 points, PMID: 19172520 ). For the other proband carrying the variant, only one mutated allele was detected in the patient's parents (the father's genotype was wild type and the mother carried the c.1230del frameshift mutation) (0 points, PMID: 31404847). Total points: 0.5 (PM3_Supporting). This variant is absent from gnomAD v2.1.1 (PM2_Supporting). This variant has also not been registered in ClinVar. In summary, this variant meets the criteria to be classified as pathogenic for autosomal recessive Glanzmann Thrombasthenia based on the ACMG/AMP criteria applied, as specified by the ClinGen PD VCEP: PVS1, PP4_Moderate, PM2_Supporting and PM3_Supporting (VCEP specifications version 2).

NM_000419.5(ITGA2B):c.1230del (p.Tyr411fs)

Gene: ITGA2B (integrin subunit alpha 2b; minus strand). Cytogenetic location: 17q21.31.
Variant type: Deletion.
Coding change: c.1230del on transcript NM_000419.5 (MANE Select); coding-DNA position 1230, one base deleted (C; older notation c.1230delC).
Protein change: p.Tyr411fs; shifts the reading frame from tyrosine 411.
Molecular consequence: frameshift variant.
Genome position (GRCh38, 1-based): chr17:44,381,042, G deleted on the plus strand (C on the coding strand, the reverse complement: ITGA2B is on the minus strand); the first of 5 consecutive G bases (chr17:44,381,042-44,381,046); deleting any one gives the same sequence. VCF-style (leftmost placement, unchanged base first): chr17-44381041-AG-A. GRCh37 (hg19) VCF-style: chr17-42458409-AG-A.
Other names: NM_000419.5:c.1230del; short protein forms Y411fs.
Identifiers: ClinVar variation 1879062 (VCV001879062.1), dbSNP rs2510080622, ClinGen allele CA915940214.